The following is an entry in ClinVar:

NM_198252.3(GSN):c.-9-2023G>T

Gene: GSN (gelsolin; plus strand). Cytogenetic location: 9q33.2.
Variant type: single nucleotide variant.
Coding change: c.-9-2023G>T on transcript NM_198252.3 (MANE Select); 2023 bases into the intron before 9 bases upstream of the start codon, G replaced by T.
Molecular consequence: intron variant. On other transcripts: missense variant (1).
Genome position (GRCh38, 1-based): chr9:121,299,940, G>T. VCF-style: chr9-121299940-G-T. GRCh37 (hg19) VCF-style: chr9-124062218-G-T.
Other names: c.79G>T, p.Ala27Ser (NM_000177.5); c.-9-2023G>T (NM_001353054.1, NM_001353053.1, NM_001353060.2 and 5 more transcripts); c.-47-116G>T (NM_001353064.2, NM_001353066.2, NM_001353072.2 and 8 more transcripts); c.-1-2031G>T (NM_001353058.2, NM_001353059.2, NM_001353056.2 and 1 more transcripts); c.-38-125G>T (NM_001353073.2, NM_001353065.2, NM_001353068.2 and 2 more transcripts); c.100-2023G>T (NM_001127663.2); c.-32-131G>T (NM_001353070.2); c.-48-1984G>T (NM_001353055.2); and 3 more; short protein forms A27S.
Identifiers: ClinVar variation 2127909 (VCV002127909.4), dbSNP rs2540476796, ClinGen allele CA374751948.
Genomic context (GRCh38, chr9:121,299,940, plus strand): 5'-GCGCCCGCGCTGCTTTGCGCGCTGTCCCTGGCGCTGTGCGCGCTGTCGCTGCCCGTCCGC[G>T]CGGCCACTGCGTCGCGGGGGGCGTCCCAGGCGGGGGCGCCCCAGGGGCGGGTGCCCGAGG-3'

ClinVar aggregate classification (germline): Uncertain significance (1 of 4 stars; one submission).

gnomAD v4.1: 1 of 1,260,960 alleles (0.000079%); highest among the groups gnomAD compares: Non-Finnish European, 0.0001%; no homozygotes.

Submission:

Labcorp Genetics (formerly Invitae), Labcorp
Classification: Uncertain significance. Last evaluated: 2022-11-08. Review status: criteria provided, single submitter. Criteria: Invitae Variant Classification Sherloc (09022015). Collection method: clinical testing. Allele origin: germline.
Comment: Algorithms developed to predict the effect of missense changes on protein structure and function (SIFT, PolyPhen-2, Align-GVGD) all suggest that this variant is likely to be tolerated. This variant has not been reported in the literature in individuals affected with GSN-related conditions. This variant is not present in population databases (gnomAD no frequency). This sequence change replaces alanine, which is neutral and non-polar, with serine, which is neutral and polar, at codon 27 of the GSN protein (p.Ala27Ser). In summary, the available evidence is currently insufficient to determine the role of this variant in disease. Therefore, it has been classified as a Variant of Uncertain Significance.